The following is an entry in ClinVar:

NM_152490.5(B3GALNT2):c.-190C>A

Gene: B3GALNT2 (beta-1,3-N-acetylgalactosaminyltransferase 2; minus strand). Cytogenetic location: 1q42.3.
Variant type: single nucleotide variant.
Coding change: c.-190C>A on transcript NM_152490.5 (MANE Select); 190 bases upstream of the start codon, C replaced by A.
Molecular consequence: 5 prime UTR variant.
Genome position (GRCh38, 1-based): chr1:235,504,442, G>T on the plus strand (C>A on the coding strand, the complement: B3GALNT2 is on the minus strand). VCF-style: chr1-235504442-G-T. GRCh37 (hg19) VCF-style: chr1-235667742-G-T.
Other names: c.-190C>A (NM_001277155.3).
Identifiers: ClinVar variation 680186 (VCV000680186.2), dbSNP rs75700660, ClinGen allele CA10756489.
Genomic context (GRCh38, chr1:235,504,442, plus strand): 5'-ACGTCTGGGGGGCTCCTCGCAGCTCCCGGCCCCGCTCCTCCGGTCCCTCAGACCGCGGGT[G>T]GCCGCGGCTTAGCCGGCCGAAGCCCCGCCCCCTCCGCCTGGCCTTCCCACCGGCTCCGCC-3'

ClinVar aggregate classification (germline): Benign. Review status: criteria provided, multiple submitters, no conflicts (2 of 4 stars). 2 submissions from 2 submitters: Benign (2). Last evaluated 2018-06-16.

Allele frequency attached by ClinVar (database versions not stated): gnomAD 0.08242 and 0.09445; TOPMed 0.10501; 1000 Genomes Project 30x 0.21955; 1000 Genomes Project 0.22544.
gnomAD v4.1: 50,860 of 559,334 alleles (9.1%); highest among the groups gnomAD compares: East Asian, 46%; 5,522 homozygotes.

Submissions (2):

GeneDx
Classification: Benign. Last evaluated: 2018-06-16. Review status: criteria provided, single submitter. Criteria: GeneDx Variant Classification (06012015). Collection method: clinical testing. Allele origin: germline. Affected: yes.
Comment: This variant is considered likely benign or benign based on one or more of the following criteria: it is a conservative change, it occurs at a poorly conserved position in the protein, it is predicted to be benign by multiple in silico algorithms, and/or has population frequency not consistent with disease.

Breakthrough Genomics
Classification: Benign. Review status: criteria provided, single submitter. Criteria: ACMG Guidelines, 2015. Collection method: not provided. Allele origin: germline. Inheritance: Autosomal recessive inheritance. Affected: yes.